The following is an entry in ClinVar:

GRCh38/hg38 Xp11.4(chrX:39666120-40255787)x2

Genes: BCOR (BCL6 corepressor; minus strand), LINC03053 (long intergenic non-protein coding RNA 3053; plus strand), MIR1587 (microRNA 1587; plus strand), LOC107985687 (translation initiation factor IF-2-like; minus strand), LOC111556151 (ZFP161 motif-containing MPRA enhancer 114; plus strand) and 38 more. Cytogenetic location: Xp11.4.
Variant type: copy number gain.
Change: copy number 2 of chrX:39,666,120-40,255,787 (589.7 kb, GRCh38 coordinates, 1-based), cytogenetic band Xp11.4.
Identifiers: ClinVar variation 60291 (VCV000060291.1).

ClinVar aggregate classification (germline): Uncertain significance (1 of 4 stars; one submission).

Submission:

ISCA site 17
Classification: Uncertain significance. Last evaluated: 2011-08-12. Review status: criteria provided, single submitter. Criteria: Kaminsky et al. (Genet Med. 2011). Collection method: clinical testing. Allele origin: unknown. Affected: yes. Observed: 1 variant allele.
Comment: Copy number variation identified through the course of routine clinical cytogenomic testing in postnatal populations. Clinical assertions have been curated as described in Kaminsky et al. 2011.